The following is an entry in ClinVar:

NM_001042492.3(NF1):c.6691G>A (p.Glu2231Lys)

Gene: NF1 (neurofibromin 1; plus strand). Cytogenetic location: 17q11.2.
Variant type: single nucleotide variant.
Coding change: c.6691G>A on transcript NM_001042492.3 (MANE Select); coding-DNA position 6691, G replaced by A.
Protein change: p.Glu2231Lys; replaces glutamic acid 2231 with lysine.
Molecular consequence: missense variant.
Genome position (GRCh38, 1-based): chr17:31,337,867, G>A. VCF-style: chr17-31337867-G-A. GRCh37 (hg19) VCF-style: chr17-29664885-G-A.
Other names: c.6628G>A, p.Glu2210Lys (NM_000267.4); short protein forms E2210K, E2231K.
Identifiers: ClinVar variation 457802 (VCV000457802.18), dbSNP rs1024484381, ClinGen allele CA289387433.

ClinVar aggregate classification (germline): Conflicting classifications of pathogenicity. Review status: criteria provided, conflicting classifications (1 of 4 stars). 6 submissions from 6 submitters: Uncertain significance (5); Benign (1). Last evaluated 2026-01-26.

Conditions:
NF1-related disorder. Also called: NF1-related condition. Identifiers: MedGen CN379171.
Cardiovascular phenotype. Identifiers: MedGen CN230736.
Hereditary cancer-predisposing syndrome. Also called: Tumor predisposition; Hereditary neoplastic syndrome; Neoplastic Syndromes, Hereditary; Hereditary Cancer Syndrome. Identifiers: Orphanet 140162, MedGen C0027672, MeSH D009386, MONDO:0015356.
Café-au-lait macules with pulmonary stenosis (WTSN). Also called: PULMONIC STENOSIS WITH CAFE-AU-LAIT SPOTS. Identifiers: MedGen C0553586, MONDO:0008672, OMIM 193520.
Neurofibromatosis-Noonan syndrome (NFNS). Also called: NEUROFIBROMATOSIS WITH NOONAN PHENOTYPE. Identifiers: Orphanet 638, MedGen C2931482, MONDO:0011035, OMIM 601321. Disease mechanism: loss of function.
Juvenile myelomonocytic leukemia (JMML). Also called: LEUKEMIA, JUVENILE MYELOMONOCYTIC, SOMATIC. Identifiers: Orphanet 86834, MedGen C0349639, MONDO:0011908, OMIM 607785, HP:0012209.
Neurofibromatosis, familial spinal (FSNF). Identifiers: Orphanet 636, MedGen C1834235, MONDO:0008078, OMIM 162210. Disease mechanism: loss of function.
Neurofibromatosis, type 1 (NF1). Also called: Peripheral type neurofibromatosis; VON RECKLINGHAUSEN DISEASE; NEUROFIBROMATOSIS, TYPE I, SOMATIC; Neurofibromatosis, type I. Identifiers: Orphanet 636, MedGen C0027831, MONDO:0018975, OMIM 162200. Disease mechanism: loss of function.

Allele frequency attached by ClinVar (database versions not stated): gnomAD exomes below 0.00001; TOPMed 0.00001.
gnomAD v4.1: 5 of 1,613,860 alleles (0.00031%); highest among the groups gnomAD compares: African/African-American, 0.0013%; no homozygotes.

Submissions (6):

PreventionGenetics, part of Exact Sciences
Classification: Uncertain significance for NF1-related condition. Last evaluated: 2026-01-26. Review status: criteria provided, single submitter. Criteria: ACMG Guidelines, 2015. Collection method: clinical testing. Allele origin: germline.
Comment: The NF1 c.6691G>A variant is predicted to result in the amino acid substitution p.Glu2231Lys. To our knowledge, this variant has not been reported in the literature or in a large population database (gnomAD), indicating this variant is rare. At this time, the clinical significance of this variant is uncertain due to the absence of conclusive functional and genetic evidence.

Ambry Genetics
Classification: Uncertain significance for Cardiovascular phenotype; Hereditary cancer-predisposing syndrome. Last evaluated: 2025-07-12. Review status: criteria provided, single submitter. Criteria: Ambry Variant Classification Scheme 2023. Collection method: clinical testing. Allele origin: germline.
Comment: The p.E2210K variant (also known as c.6628G>A), located in coding exon 43 of the NF1 gene, results from a G to A substitution at nucleotide position 6628. The glutamic acid at codon 2210 is replaced by lysine, an amino acid with similar properties. This amino acid position is highly conserved in available vertebrate species. In addition, this alteration is predicted to be deleterious by in silico analysis. Since supporting evidence is limited at this time, the clinical significance of this alteration remains unclear.

GeneDx
Classification: Uncertain significance. Last evaluated: 2024-12-12. Review status: criteria provided, single submitter. Criteria: GeneDx Variant Classification Process June 2021. Collection method: clinical testing. Allele origin: germline. Affected: yes.
Comment: Not observed at significant frequency in large population cohorts (gnomAD); In silico analysis indicates that this missense variant does not alter protein structure/function; Has not been previously published as pathogenic or benign to our knowledge

Labcorp Genetics (formerly Invitae), Labcorp
Classification: Benign for Neurofibromatosis, type 1. Last evaluated: 2024-11-11. Review status: criteria provided, single submitter. Criteria: Invitae Variant Classification Sherloc (09022015). Collection method: clinical testing. Allele origin: germline.

Fulgent Genetics
Classification: Uncertain significance for Neurofibromatosis, type 1; Neurofibromatosis, familial spinal; Café-au-lait macules with pulmonary stenosis; Neurofibromatosis-Noonan syndrome; Juvenile myelomonocytic leukemia. Last evaluated: 2024-05-21. Review status: criteria provided, single submitter. Criteria: ACMG Guidelines, 2015. Collection method: clinical testing. Allele origin: germline.

Genome-Nilou Lab
Classification: Uncertain significance for Neurofibromatosis, type 1. Last evaluated: 2022-03-15. Review status: criteria provided, single submitter. Criteria: ACMG Guidelines, 2015. Collection method: clinical testing. Allele origin: germline. Affected: no.